The following is an entry in ClinVar:

ClinVar aggregate classification (germline): Uncertain significance (1 of 4 stars; one submission).

Conditions:
Autosomal dominant nonsyndromic hearing loss 1. Also called: KONIGSMARK SYNDROME; DEAFNESS, AUTOSOMAL DOMINANT 1, WITH OR WITHOUT THROMBOCYTOPENIA. Identifiers: Orphanet 90635, MedGen C1852282, MONDO:0007424, OMIM 124900.
Progressive microcephaly-seizures-cortical blindness-developmental delay syndrome. Also called: Seizures, cortical blindness, and microcephaly syndrome. Identifiers: Orphanet 477814, MedGen C5567650, MONDO:0014714, OMIM 616632.

Submissions (2):

Labcorp Genetics (formerly Invitae), Labcorp
Classification: Uncertain significance for Progressive microcephaly-seizures-cortical blindness-developmental delay syndrome; Autosomal dominant nonsyndromic hearing loss 1. Last evaluated: 2022-12-24. Review status: criteria provided, single submitter. Criteria: Invitae Variant Classification Sherloc (09022015). Collection method: clinical testing. Allele origin: germline.
Comment: This sequence change falls in intron 23 of the DIAPH1 gene. It does not directly change the encoded amino acid sequence of the DIAPH1 protein. This variant is not present in population databases (gnomAD no frequency). This variant has not been reported in the literature in individuals affected with DIAPH1-related conditions. Algorithms developed to predict the effect of sequence changes on RNA splicing suggest that this variant may disrupt the consensus splice site. In summary, the available evidence is currently insufficient to determine the role of this variant in disease. Therefore, it has been classified as a Variant of Uncertain Significance.

Dr. Peter K. Rogan Lab, Western University
No classification provided (evidence only). Condition: Uterine corpus endometrial carcinoma. Review status: no classification provided. Collection method: in vitro. Allele origin: not applicable. Functional consequence: retained intron. Not counted in ClinVar's aggregate classification.

NM_005219.5(DIAPH1):c.3149-13_3149-3del

Gene: DIAPH1 (diaphanous related formin 1; minus strand). Cytogenetic location: 5q31.3.
Variant type: Deletion.
Coding change: c.3149-13_3149-3del on transcript NM_005219.5 (MANE Select); 13 bases into the intron before coding-DNA position 3149 through 3 bases into the intron before coding-DNA position 3149, 11 bases deleted (TTTTTTTTTTT).
Molecular consequence: intron variant.
Genome position (GRCh38, 1-based): chr5:141,527,700-141,527,710, AAAAAAAAAAA deleted on the plus strand (TTTTTTTTTTT on the coding strand, the reverse complement: DIAPH1 is on the minus strand); deleting any 11 consecutive bases within chr5:141,527,700-141,527,722 gives the same sequence; the c. name uses the placement nearest the transcript's 3' end. VCF-style (leftmost placement, unchanged base first): chr5-141527699-TAAAAAAAAAAA-T. GRCh37 (hg19) VCF-style: chr5-140907266-TAAAAAAAAAAA-T.
Other names: NC_000005.9:g.140907279_140907289del; c.3122-13_3122-3del (NM_001079812.3); c.3149-13_3149-3del (NM_001314007.2); c.3149-25_3149-15del (NM_005219.5).
Identifiers: ClinVar variation 2164024 (VCV002164024.5), dbSNP rs79558427, ClinGen allele CA804797322.
Genomic context (GRCh38, chr5:141,527,699, plus strand): 5'-CACATCAGAAATTTGTTTCTTCATCTGATCTAGGTTCTTTTGCAAGTTTTCAGCAGAAAC[TAAAAAAAAAAA>T]AAAAAAAAAAAACCATAAAAACAGACAGCAAGAGCTTACTAATAATCCCAGCCTCAACAC-3'